The following is an entry in ClinVar:

ClinVar aggregate classification (germline): Likely benign (1 of 4 stars; one submission).

Allele frequency attached by ClinVar (database versions not stated): 1000 Genomes Project 0.00240; 1000 Genomes Project 30x 0.00250; ESP Exome Variant Server 0.00732.
gnomAD v4.1: 11,893 of 1,608,102 alleles (0.74%); highest among the groups gnomAD compares: Middle Eastern, 2.4%; 49 homozygotes.

Submission:

CeGaT Center for Human Genetics Tuebingen
Classification: Likely benign. Last evaluated: 2022-12-01. Review status: criteria provided, single submitter. Criteria: CeGaT Center For Human Genetics Tuebingen Variant Classification Criteria Version 2. Collection method: clinical testing. Allele origin: germline. Affected: yes. Observed: 5 variant alleles.
Comment: MAPT: BS2

NM_001377265.1(MAPT):c.1998+40C>T

Gene: MAPT (microtubule associated protein tau). Cytogenetic location: 17q21.31.
Variant type: single nucleotide variant.
Coding change: c.1998+40C>T on transcript NM_001377265.1 (MANE Select); 40 bases into the intron after coding-DNA position 1998, C replaced by T.
Molecular consequence: intron variant.
Genome position (GRCh38, 1-based): chr17:45,996,704, C>T. VCF-style: chr17-45996704-C-T. GRCh37 (hg19) VCF-style: chr17-44074070-C-T.
Other names: c.648+40C>T (NM_001377268.1, NM_016834.5, NM_016841.5); c.1827+40C>T (NM_001123066.4); c.1773+40C>T (NM_016835.5); c.822+40C>T (NM_005910.6, NM_001203252.2); c.1800+40C>T (NM_001377266.1); c.735+40C>T (NM_001123067.4, NM_001203251.2, NM_001377267.1).
Identifiers: ClinVar variation 1879375 (VCV001879375.29), dbSNP rs150660024, ClinGen allele CA8618084.